The following is an entry in ClinVar:

NM_001039591.3(USP9X):c.4390G>A (p.Asp1464Asn)

Gene: USP9X (ubiquitin specific peptidase 9 X-linked; plus strand). Cytogenetic location: Xp11.4.
Variant type: single nucleotide variant.
Coding change: c.4390G>A on transcript NM_001039591.3 (MANE Select); coding-DNA position 4390, G replaced by A.
Protein change: p.Asp1464Asn; replaces aspartic acid 1464 with asparagine.
Molecular consequence: missense variant.
Genome position (GRCh38, 1-based): chrX:41,198,537, G>A. VCF-style: chrX-41198537-G-A. GRCh37 (hg19) VCF-style: chrX-41057790-G-A.
Other names: c.4390G>A, p.Asp1464Asn (NM_001039590.3); c.4405G>A, p.Asp1469Asn (NM_001410748.1, NM_001410749.1); short protein forms D1464N, D1469N.
Identifiers: ClinVar variation 1804606 (VCV001804606.1), dbSNP rs2519316778, ClinGen allele CA412774602.
Genomic context (GRCh38, chrX:41,198,537, plus strand): 5'-TCTAAAAATATATAGCATTGCTAATATGTAATCCCTTTTTCAACTTTTTAGGAATTAATT[G>A]ATGATTTCATATTTCCTGCATCCAATGTTTACCTACAGTATATGAGAAATGGAGAGCTTC-3'
Protein context (NP_001034680.2, residues 1454-1474): GGANLIKELI[Asp1464Asn]DFIFPASNVY

ClinVar aggregate classification (germline): Uncertain significance (1 of 4 stars; one submission).

Submission:

GeneDx
Classification: Uncertain significance. Last evaluated: 2022-06-17. Review status: criteria provided, single submitter. Criteria: GeneDx Variant Classification Process June 2021. Collection method: clinical testing. Allele origin: germline. Affected: yes.
Comment: Not observed at significant frequency in large population cohorts (gnomAD); In silico analysis supports that this missense variant has a deleterious effect on protein structure/function; Has not been previously published as pathogenic or benign to our knowledge; In silico analysis, which includes splice predictors and evolutionary conservation, suggests this variant may impact gene splicing. In the absence of RNA/functional studies, the actual effect of this sequence change is unknown.